The following is an entry in ClinVar:

ClinVar aggregate classification (germline): Likely benign (1 of 4 stars; one submission).

Allele frequency attached by ClinVar (database versions not stated): TOPMed 0.00002; gnomAD 0.00004.
gnomAD v4.1: 34 of 1,611,404 alleles (0.0021%); highest among the groups gnomAD compares: East Asian, 0.025%; no homozygotes.

Submission:

CeGaT Center for Human Genetics Tuebingen
Classification: Likely benign. Last evaluated: 2024-03-01. Review status: criteria provided, single submitter. Criteria: CeGaT Center For Human Genetics Tuebingen Variant Classification Criteria Version 2. Collection method: clinical testing. Allele origin: germline. Affected: yes. Observed: 1 variant allele.
Comment: DLK1: BP4, BP7

NM_003836.7(DLK1):c.780C>T (p.Ser260=)

Gene: DLK1 (delta like non-canonical Notch ligand 1; plus strand). Cytogenetic location: 14q32.2.
Variant type: single nucleotide variant.
Coding change: c.780C>T on transcript NM_003836.7 (MANE Select); coding-DNA position 780, C replaced by T.
Protein change: p.Ser260=; no amino-acid change (serine 260 retained).
Molecular consequence: synonymous variant. On other transcripts: intron variant (1).
Genome position (GRCh38, 1-based): chr14:100,734,524, C>T. VCF-style: chr14-100734524-C-T. GRCh37 (hg19) VCF-style: chr14-101200861-C-T.
Other names: c.684+96C>T (NM_001317172.2).
Identifiers: ClinVar variation 3234251 (VCV003234251.20), dbSNP rs1030350283, ClinGen allele CA266886774.